The following is an entry in ClinVar:

NM_000123.4(ERCC5):c.265-2A>G

Genes: BIVM-ERCC5 (BIVM-ERCC5 readthrough; plus strand), ERCC5 (ERCC excision repair 5, endonuclease; plus strand). Cytogenetic location: 13q33.1.
Variant type: single nucleotide variant.
Coding change: c.265-2A>G on transcript NM_000123.4 (MANE Select); the canonical splice acceptor site of the intron before coding-DNA position 265, A replaced by G.
Molecular consequence: splice acceptor variant.
Genome position (GRCh38, 1-based): chr13:102,853,755, A>G. VCF-style: chr13-102853755-A-G. GRCh37 (hg19) VCF-style: chr13-103506105-A-G.
Other names: c.1627-2A>G (NM_001204425.2).
Identifiers: ClinVar variation 3382284 (VCV003382284.2).

ClinVar aggregate classification (germline): Likely pathogenic (1 of 4 stars; one submission).

Conditions:
Xeroderma pigmentosum, group G (XPG). Also called: Xeroderma pigmentosum type 7; XERODERMA PIGMENTOSUM VII; XP, GROUP G; ERCC5-Related Xeroderma Pigmentosum. Identifiers: MedGen C0268141, MONDO:0010216, OMIM 278780.
Cerebrooculofacioskeletal syndrome 3 (COFS3). Identifiers: MedGen C1851443, MONDO:0014696, OMIM 616570.

Submission:

Juno Genomics, Hangzhou Juno Genomics, Inc
Classification: Likely pathogenic for Cerebrooculofacioskeletal syndrome 3; Xeroderma pigmentosum, group G. Review status: criteria provided, single submitter. Criteria: ACMG Guidelines, 2015. Collection method: clinical testing. Allele origin: germline. Affected: yes.
Comment: Absent from controls (or at extremely low frequency if recessive) in Genome Aggregation Database, Exome Sequencing Project, 1000 Genomes Project, or Exome Aggregation Consortium.;Null variant in a gene where loss of function (LOF) is a known mechanism of disease.